The following is an entry in ClinVar:

ClinVar aggregate classification (germline): Pathogenic/Likely pathogenic. Review status: criteria provided, multiple submitters, no conflicts (2 of 4 stars). 2 submissions from 2 submitters: Pathogenic (1); Likely pathogenic (1). Last evaluated 2022-06-24.

Conditions:
Sotos syndrome (SOTOS). Also called: CEREBRAL GIGANTISM; Sotos' syndrome; Distinctive facial appearance, overgrowth in childhood, and learning disabilities or delayed development; CHROMOSOME 5q35 DELETION SYNDROME; SOTOS SYNDROME 1. Identifiers: Orphanet 821, MedGen C0175695, MONDO:0019349, OMIM 117550.

Submissions (2):

Victorian Clinical Genetics Services, Murdoch Childrens Research Institute
Classification: Pathogenic for Sotos syndrome. Last evaluated: 2022-06-24. Review status: criteria provided, single submitter. Criteria: ACMG Guidelines, 2015. Collection method: clinical testing. Allele origin: germline. Inheritance: Autosomal dominant inheritance.
Comment: Based on the classification scheme VCGS_Germline_v1.3.4, this variant is classified as Pathogenic. Following criteria are met: 0102 - Loss of function is a known mechanism of disease in this gene and is associated with Sotos syndrome 1 (MIM#117550). (I) 0107 - This gene is associated with autosomal dominant disease. (I) 0211 - Canonical splice site variant without proven consequence on splicing (no functional evidence available). (SP) 0251 - This variant is heterozygous. (I) 0301 - Variant is absent from gnomAD (both v2 and v3). (SP) 0505 - Abnormal splicing is predicted by in silico tools and affected nucleotide is highly conserved. (SP) 0705 - No comparable canonical splice site variants have previous evidence for pathogenicity. (I) 0807 - This variant has no previous evidence of pathogenicity. (I) 0905 - No published segregation evidence has been identified for this variant. (I) 1007 - No published functional evidence has been identified for this variant. (SP) Legend: (SP) - Supporting pathogenic, (I) - Information, (SB) - Supporting benign

Labcorp Genetics (formerly Invitae), Labcorp
Classification: Likely pathogenic. Last evaluated: 2022-02-02. Review status: criteria provided, single submitter. Criteria: Invitae Variant Classification Sherloc (09022015). Collection method: clinical testing. Allele origin: germline.
Comment: In summary, the currently available evidence indicates that the variant is pathogenic, but additional data are needed to prove that conclusively. Therefore, this variant has been classified as Likely Pathogenic. Algorithms developed to predict the effect of sequence changes on RNA splicing suggest that this variant may disrupt the consensus splice site. Disruption of this splice site has been observed in individual(s) with clinical features of Sotos syndrome (Invitae). This variant is not present in population databases (gnomAD no frequency). This sequence change affects an acceptor splice site in intron 3 of the NSD1 gene. It is expected to disrupt RNA splicing. Variants that disrupt the donor or acceptor splice site typically lead to a loss of protein function (PMID: 16199547), and loss-of-function variants in NSD1 are known to be pathogenic (PMID: 12464997, 14571271, 15942875, 16247291).

Literature cited by the submitters: PubMed 16199547 (cited by Labcorp Genetics (formerly Invitae), Labcorp); PubMed 12464997 (cited by Labcorp Genetics (formerly Invitae), Labcorp); PubMed 14571271 (cited by Labcorp Genetics (formerly Invitae), Labcorp); PubMed 15942875 (cited by Labcorp Genetics (formerly Invitae), Labcorp); PubMed 16247291 (cited by Labcorp Genetics (formerly Invitae), Labcorp).

NM_022455.5(NSD1):c.1064-2A>G

Gene: NSD1 (nuclear receptor binding SET domain protein 1; plus strand). Cytogenetic location: 5q35.3.
Variant type: single nucleotide variant.
Coding change: c.1064-2A>G on transcript NM_022455.5 (MANE Select); the canonical splice acceptor site of the intron before coding-DNA position 1064, A replaced by G.
Molecular consequence: splice acceptor variant.
Genome position (GRCh38, 1-based): chr5:177,204,118, A>G. VCF-style: chr5-177204118-A-G. GRCh37 (hg19) VCF-style: chr5-176631119-A-G.
Other names: c.311-2A>G (NM_001409305.1); c.191-2A>G (NM_001409306.1, NM_001409308.1, NM_001409307.1 and 3 more transcripts); c.1064-2A>G (NM_001409302.1, NM_001409303.1, NM_001409301.1); c.644-2A>G (NM_001409304.1).
Identifiers: ClinVar variation 1699361 (VCV001699361.8), dbSNP rs2149836062, ClinGen allele CA362304411.
Genomic context (GRCh38, chr5:177,204,118, plus strand): 5'-CTCTTAATGATGAGAAGTAATTTCTTTGATCTAATGATTCTGGTTCTCTTACCCTTACCT[A>G]GTTTCCAACCGGAGGCCCTATCGGCAGTACTACGTGGAGGCTTTTGGAGATCCTTCTGAG-3'